The following is an entry in ClinVar:

ClinVar aggregate classification (germline): Uncertain significance. Review status: criteria provided, multiple submitters, no conflicts (2 of 4 stars). 2 submissions from 2 submitters: Uncertain significance (2). Last evaluated 2022-06-08.

Conditions:
Amelocerebrohypohidrotic syndrome (KTZS). Also called: EPILEPSY AND YELLOW TEETH; EPILEPSY, DEMENTIA, AND AMELOGENESIS IMPERFECTA; KOHLSCHUTTER SYNDROME; Kohlschutter's syndrome. Identifiers: Orphanet 1946, MedGen C0406740, MONDO:0009185, OMIM 226750.

Allele frequency attached by ClinVar (database versions not stated): TOPMed below 0.00001; ExAC 0.00001; gnomAD 0.00001.
gnomAD v4.1: 21 of 1,613,310 alleles (0.0013%); highest among the groups gnomAD compares: Admixed American, 0.032%; no homozygotes.

Submissions (2):

Labcorp Genetics (formerly Invitae), Labcorp
Classification: Uncertain significance for Amelocerebrohypohidrotic syndrome. Last evaluated: 2022-06-08. Review status: criteria provided, single submitter. Criteria: Invitae Variant Classification Sherloc (09022015). Collection method: clinical testing. Allele origin: germline.
Comment: This sequence change replaces serine, which is neutral and polar, with glycine, which is neutral and non-polar, at codon 280 of the ROGDI protein (p.Ser280Gly). This variant is present in population databases (rs777114840, gnomAD 0.01%). This variant has not been reported in the literature in individuals affected with ROGDI-related conditions. ClinVar contains an entry for this variant (Variation ID: 530791). Algorithms developed to predict the effect of missense changes on protein structure and function (SIFT, PolyPhen-2, Align-GVGD) all suggest that this variant is likely to be tolerated. In summary, the available evidence is currently insufficient to determine the role of this variant in disease. Therefore, it has been classified as a Variant of Uncertain Significance.

Knight Diagnostic Laboratories, Oregon Health and Sciences University
Classification: Uncertain significance for Kohlschutter-Tonz syndrome. Last evaluated: 2019-12-13. Review status: criteria provided, single submitter. Criteria: ACMG Guidelines, 2015. Collection method: clinical testing. Allele origin: germline. Observed: 1 variant allele.

NM_024589.3(ROGDI):c.838A>G (p.Ser280Gly)

Gene: ROGDI (rogdi atypical leucine zipper; minus strand). Cytogenetic location: 16p13.3.
Variant type: single nucleotide variant.
Coding change: c.838A>G on transcript NM_024589.3 (MANE Select); coding-DNA position 838, A replaced by G.
Protein change: p.Ser280Gly; replaces serine 280 with glycine.
Molecular consequence: missense variant. On other transcripts: non-coding transcript variant (1).
Genome position (GRCh38, 1-based): chr16:4,797,486, T>C on the plus strand (A>G on the coding strand, the complement: ROGDI is on the minus strand). VCF-style: chr16-4797486-T-C. GRCh37 (hg19) VCF-style: chr16-4847487-T-C.
Other names: short protein forms S280G.
Identifiers: ClinVar variation 530791 (VCV000530791.9), dbSNP rs777114840, ClinGen allele CA7882417.